The following is an entry in ClinVar:

NM_000494.4(COL17A1):c.506G>A (p.Arg169Gln)

Gene: COL17A1 (collagen type XVII alpha 1 chain; minus strand). Cytogenetic location: 10q25.1.
Variant type: single nucleotide variant.
Coding change: c.506G>A on transcript NM_000494.4 (MANE Select); coding-DNA position 506, G replaced by A.
Protein change: p.Arg169Gln; replaces arginine 169 with glutamine.
Molecular consequence: missense variant.
Genome position (GRCh38, 1-based): chr10:104,070,527, C>T on the plus strand (G>A on the coding strand, the complement: COL17A1 is on the minus strand). VCF-style: chr10-104070527-C-T. GRCh37 (hg19) VCF-style: chr10-105830285-C-T.
Other names: short protein forms R169Q.
Identifiers: ClinVar variation 3495156 (VCV003495156.2).

ClinVar aggregate classification (germline): Uncertain significance. Review status: criteria provided, multiple submitters, no conflicts (2 of 4 stars). 2 submissions from 2 submitters: Uncertain significance (2). Last evaluated 2025-05-17.

Conditions:
Inborn genetic diseases. Identifiers: MedGen C0950123, MeSH D030342.

gnomAD v4.1: 20 of 1,614,006 alleles (0.0012%); highest among the groups gnomAD compares: Admixed American, 0.01%; no homozygotes.

Submissions (2):

Labcorp Genetics (formerly Invitae), Labcorp
Classification: Uncertain significance. Last evaluated: 2025-05-17. Review status: criteria provided, single submitter. Criteria: Invitae Variant Classification Sherloc (09022015). Collection method: clinical testing. Allele origin: germline.
Comment: This sequence change replaces arginine, which is basic and polar, with glutamine, which is neutral and polar, at codon 169 of the COL17A1 protein (p.Arg169Gln). This variant is present in population databases (rs767496854, gnomAD 0.01%). This variant has not been reported in the literature in individuals affected with COL17A1-related conditions. ClinVar contains an entry for this variant (Variation ID: 3495156). Invitae Evidence Modeling of protein sequence and biophysical properties (such as structural, functional, and spatial information, amino acid conservation, physicochemical variation, residue mobility, and thermodynamic stability) has been performed for this missense variant. However, the output from this modeling did not meet the statistical confidence thresholds required to predict the impact of this variant on COL17A1 protein function. In summary, the available evidence is currently insufficient to determine the role of this variant in disease. Therefore, it has been classified as a Variant of Uncertain Significance.

Ambry Genetics
Classification: Uncertain significance for Inborn genetic diseases. Last evaluated: 2024-09-05. Review status: criteria provided, single submitter. Criteria: Ambry Variant Classification Scheme 2023. Collection method: clinical testing. Allele origin: germline.